The following is an entry in ClinVar:

ClinVar aggregate classification (germline): Likely benign (0 of 4 stars; one submission).

Conditions:
SH2B1-related disorder. Also called: SH2B1-related condition.

gnomAD v4.1: 9 of 1,611,110 alleles (0.00056%); highest among the groups gnomAD compares: Middle Eastern, 0.017%; no homozygotes.

Submission:

PreventionGenetics, part of Exact Sciences
Classification: Likely benign for SH2B1-related condition. Last evaluated: 2024-08-27. Review status: no assertion criteria provided. Collection method: clinical testing. Allele origin: germline.
Comment: This variant is classified as likely benign based on ACMG/AMP sequence variant interpretation guidelines (Richards et al. 2015 PMID: 25741868, with internal and published modifications).

NM_001387430.1(SH2B1):c.156C>T (p.His52=)

Gene: SH2B1 (SH2B adaptor protein 1; plus strand). Cytogenetic location: 16p11.2.
Variant type: single nucleotide variant.
Coding change: c.156C>T on transcript NM_001387430.1 (MANE Select); coding-DNA position 156, C replaced by T.
Protein change: p.His52=; no amino-acid change (histidine 52 retained).
Molecular consequence: synonymous variant. On other transcripts: intron variant (1).
Genome position (GRCh38, 1-based): chr16:28,866,250, C>T. VCF-style: chr16-28866250-C-T. GRCh37 (hg19) VCF-style: chr16-28877571-C-T.
Other names: c.156C>T, p.His52= (NM_001145795.2, NM_001145796.2, NM_001145797.2 and 4 more transcripts); c.-26-1124C>T (NM_001308294.2).
Identifiers: ClinVar variation 3358787 (VCV003358787.1).